The following is an entry in ClinVar:

ClinVar aggregate classification (germline): Uncertain significance (1 of 4 stars; one submission).

Conditions:
Inborn genetic diseases. Identifiers: MedGen C0950123, MeSH D030342.

Submission:

Ambry Genetics
Classification: Uncertain significance for Inborn genetic diseases. Last evaluated: 2024-08-21. Review status: criteria provided, single submitter. Criteria: Ambry Variant Classification Scheme 2023. Collection method: clinical testing. Allele origin: germline.
Comment: The p.E159Q variant (also known as c.475G>C), located in coding exon 6 of the ERCC2 gene, results from a G to C substitution at nucleotide position 475. The glutamic acid at codon 159 is replaced by glutamine, an amino acid with highly similar properties. This amino acid position is conserved. In addition, the in silico prediction for this alteration is inconclusive. Based on the available evidence, the clinical significance of this variant remains unclear.

NM_000400.4(ERCC2):c.475G>C (p.Glu159Gln)

Gene: ERCC2 (ERCC excision repair 2, TFIIH core complex helicase subunit; minus strand). Cytogenetic location: 19q13.32.
Variant type: single nucleotide variant.
Coding change: c.475G>C on transcript NM_000400.4 (MANE Select); coding-DNA position 475, G replaced by C.
Protein change: p.Glu159Gln; replaces glutamic acid 159 with glutamine.
Molecular consequence: missense variant.
Genome position (GRCh38, 1-based): chr19:45,365,044, C>G on the plus strand (G>C on the coding strand, the complement: ERCC2 is on the minus strand). VCF-style: chr19-45365044-C-G. GRCh37 (hg19) VCF-style: chr19-45868302-C-G.
Other names: c.403G>C, p.Glu135Gln (NM_001130867.2); short protein forms E135Q, E159Q.
Identifiers: ClinVar variation 3509850 (VCV003509850.1).
Genomic context (GRCh38, chr19:45,365,044, plus strand): 5'-GCTGCCTGCCCCAGGCTACCTGTCCTGCCTCCCTCCCTCAGCCCTGCCCTCCAGTAACCT[C>G]ATAGAATCGGCAGTGGGGCAGGCTGGTGTCATGCTGGTACTGCGCCCGCACATAGGAGGC-3'
Protein context (NP_000391.1, residues 149-169): DTSLPHCRFY[Glu159Gln]EFDAHGREVP